The following is an entry in ClinVar:

ClinVar aggregate classification (germline): Likely pathogenic (1 of 4 stars; one submission).

Conditions:
Neuronopathy, distal hereditary motor, autosomal recessive 5. Also called: NEUROPATHY, DISTAL HEREDITARY MOTOR, AUTOSOMAL RECESSIVE 5; Spinal muscular atrophy, distal, autosomal recessive, 5; Young adult-onset distal hereditary motor neuropathy. Identifiers: Orphanet 314485, Orphanet 443950, MedGen C4749918, MONDO:0013947, OMIM 614881.

Submission:

Kariminejad - Najmabadi Pathology & Genetics Center
Classification: Likely pathogenic for Neuronopathy, distal hereditary motor, autosomal recessive 5. Last evaluated: 2021-06-26. Review status: criteria provided, single submitter. Criteria: ACMG Guidelines, 2015. Collection method: clinical testing. Allele origin: germline. Inheritance: Autosomal recessive inheritance. Affected: yes.
Comment: PM2, PP3_Strong

NM_006736.6(DNAJB2):c.175+3A>T

Gene: DNAJB2 (DnaJ heat shock protein family (Hsp40) member B2; plus strand). Cytogenetic location: 2q35.
Variant type: single nucleotide variant.
Coding change: c.175+3A>T on transcript NM_006736.6 (MANE Select); 3 bases into the intron after coding-DNA position 175, A replaced by T.
Molecular consequence: intron variant.
Genome position (GRCh38, 1-based): chr2:219,280,690, A>T. VCF-style: chr2-219280690-A-T. GRCh37 (hg19) VCF-style: chr2-220145412-A-T.
Other names: c.175+3A>T (NM_001039550.2).
Identifiers: ClinVar variation 3896843 (VCV003896843.1).
Genomic context (GRCh38, chr2:219,280,690, plus strand): 5'-GAGTTTGCTGAGAAGAAATTTAAGGAGGTGGCCGAGGCATATGAAGTGCTGTCTGACAGT[A>T]AGGGCCGGGGTCAGGCAGGACCCAGCACATCACCCCCTACTTCATGCCCCAGCTCACATT-3'